The following is an entry in ClinVar:

NM_001242896.3(DEPDC5):c.483+4A>G

Gene: DEPDC5 (DEP domain containing 5, GATOR1 subcomplex subunit; plus strand). Cytogenetic location: 22q12.2.
Variant type: single nucleotide variant.
Coding change: c.483+4A>G on transcript NM_001242896.3 (MANE Select); 4 bases into the intron after coding-DNA position 483, A replaced by G.
Molecular consequence: intron variant.
Genome position (GRCh38, 1-based): chr22:31,778,172, A>G. VCF-style: chr22-31778172-A-G. GRCh37 (hg19) VCF-style: chr22-32174158-A-G.
Other names: c.483+4A>G (NM_001364318.2, NM_001136029.4, NM_014662.6 and 8 more transcripts); c.399+4A>G (NM_001369902.1, NM_001369901.1).
Identifiers: ClinVar variation 1444324 (VCV001444324.7), dbSNP rs369403922, ClinGen allele CA10195985.

ClinVar aggregate classification (germline): Uncertain significance. Review status: criteria provided, multiple submitters, no conflicts (2 of 4 stars). 2 submissions from 2 submitters: Uncertain significance (2). Last evaluated 2026-09-08.

Conditions:
Familial focal epilepsy with variable foci (FPEVF). Identifiers: Orphanet 98820, MedGen C1858477, MONDO:0020310.
Inborn genetic diseases. Identifiers: MedGen C0950123, MeSH D030342.

Allele frequency attached by ClinVar (database versions not stated): gnomAD exomes below 0.00001; ExAC 0.00001; gnomAD 0.00002 and 0.00001; ESP Exome Variant Server 0.00008; TOPMed 0.00003.
gnomAD v4.1: 3 of 1,613,924 alleles (0.00019%); highest among the groups gnomAD compares: African/African-American, 0.004%; no homozygotes.

Submissions (2):

Ambry Genetics
Classification: Uncertain significance for Inborn genetic diseases. Last evaluated: 2026-09-08. Review status: criteria provided, single submitter. Criteria: Ambry Variant Classification Scheme 2023. Collection method: clinical testing. Allele origin: germline.
Comment: The c.483+4A>G intronic alteration consists of a A to G substitution nucleotides after coding exon 7 in the DEPDC5 gene. Based on data from gnomAD, the G allele has an overall frequency of 0.001% (2/280912) total alleles studied. The highest observed frequency was 0.008% (2/24204) of African alleles. Based on insufficient or conflicting evidence, the clinical significance of this alteration remains unclear.

Labcorp Genetics (formerly Invitae), Labcorp
Classification: Uncertain significance for Familial focal epilepsy with variable foci. Last evaluated: 2025-09-10. Review status: criteria provided, single submitter. Criteria: Invitae Variant Classification Sherloc (09022015). Collection method: clinical testing. Allele origin: germline.
Comment: This sequence change falls in intron 8 of the DEPDC5 gene. It does not directly change the encoded amino acid sequence of the DEPDC5 protein. It affects a nucleotide within the consensus splice site. This variant is present in population databases (rs369403922, gnomAD 0.008%). This variant has not been reported in the literature in individuals affected with DEPDC5-related conditions. ClinVar contains an entry for this variant (Variation ID: 1444324). Variants that disrupt the consensus splice site are a relatively common cause of aberrant splicing (PMID: 17576681, 9536098). Algorithms developed to predict the effect of sequence changes on RNA splicing suggest that this variant is not likely to affect RNA splicing. In summary, the available evidence is currently insufficient to determine the role of this variant in disease. Therefore, it has been classified as a Variant of Uncertain Significance.

Literature cited by the submitters: PubMed 17576681 (cited by Labcorp Genetics (formerly Invitae), Labcorp); PubMed 9536098 (cited by Labcorp Genetics (formerly Invitae), Labcorp).